The following is an entry in ClinVar:

ClinVar aggregate classification (germline): Pathogenic/Likely pathogenic. Review status: criteria provided, multiple submitters, no conflicts (2 of 4 stars). 3 submissions from 3 submitters: Pathogenic (1); Likely pathogenic (2). Last evaluated 2026-01-31.

Conditions:
Cerebrooculofacioskeletal syndrome 2 (COFS2). Identifiers: MedGen C1853102, MONDO:0012553, OMIM 610756.

Submissions (3):

GeneDx
Classification: Likely pathogenic. Last evaluated: 2026-01-31. Review status: criteria provided, single submitter. Criteria: GeneDx Variant Classification Process June 2021. Collection method: clinical testing. Allele origin: germline.
Comment: Frameshift variant predicted to result in protein truncation or nonsense mediated decay in a gene for which loss of function is a known mechanism of disease; Not observed at significant frequency in large population cohorts (gnomAD); Has not been previously published in association with an ERCC2-related disorder to our knowledge; This variant is associated with the following publications: (PMID: 26556299)

Labcorp Genetics (formerly Invitae), Labcorp
Classification: Pathogenic. Last evaluated: 2024-01-18. Review status: criteria provided, single submitter. Criteria: Invitae Variant Classification Sherloc (09022015). Collection method: clinical testing. Allele origin: germline.
Comment: This sequence change creates a premature translational stop signal (p.Ser578Trpfs*128) in the ERCC2 gene. It is expected to result in an absent or disrupted protein product. Loss-of-function variants in ERCC2 are known to be pathogenic (PMID: 9238033, 11335038, 19085937, 19934020). This variant is not present in population databases (gnomAD no frequency). This variant has not been reported in the literature in individuals affected with ERCC2-related conditions. For these reasons, this variant has been classified as Pathogenic.

Baylor Genetics
Classification: Likely pathogenic for Cerebrooculofacioskeletal syndrome 2. Last evaluated: 2023-11-09. Review status: criteria provided, single submitter. Criteria: ACMG Guidelines, 2015. Collection method: clinical testing. Allele origin: unknown.

Literature cited by the submitters: PubMed 9238033 (cited by Labcorp Genetics (formerly Invitae), Labcorp); PubMed 11335038 (cited by Labcorp Genetics (formerly Invitae), Labcorp); PubMed 19085937 (cited by Labcorp Genetics (formerly Invitae), Labcorp); PubMed 19934020 (cited by Labcorp Genetics (formerly Invitae), Labcorp).

NM_000400.4(ERCC2):c.1732_1741del (p.Ser578fs)

Gene: ERCC2 (ERCC excision repair 2, TFIIH core complex helicase subunit; minus strand). Cytogenetic location: 19q13.32.
Variant type: Deletion.
Coding change: c.1732_1741del on transcript NM_000400.4 (MANE Select); coding-DNA positions 1732 to 1741, 10 bases deleted (AGTGTCGCCC; older notation c.1732_1741delAGTGTCGCCC).
Protein change: p.Ser578fs; shifts the reading frame from serine 578.
Molecular consequence: frameshift variant.
Genome position (GRCh38, 1-based): chr19:45,353,259-45,353,268, GGGCGACACT deleted on the plus strand (AGTGTCGCCC on the coding strand, the reverse complement: ERCC2 is on the minus strand); deleting any 10 consecutive bases within chr19:45,353,259-45,353,270 gives the same sequence; the c. name uses the placement nearest the transcript's 3' end. VCF-style (leftmost placement, unchanged base first): chr19-45353258-AGGGCGACACT-A. GRCh37 (hg19) VCF-style: chr19-45856516-AGGGCGACACT-A.
Other names: c.1732_1741del (NM_000400.3); short protein forms S578fs.
Identifiers: ClinVar variation 2675038 (VCV002675038.6), dbSNP rs1971888879, ClinGen allele CA996295932.
Genomic context (GRCh38, chr19:45,353,258, plus strand): 5'-AGCCACCTCCCCGACCCCTCTCCACGCTGGCCTCGCACACCCACCTCCTGGTACTTCTCC[AGGGCGACACT>A]GGTTTCGGCACCATCCTGGGTCTCAATAAAGAGCAGCTTGTTCCTCTGGATGTTCTCAAG-3'